The following is an entry in ClinVar:

NM_001385125.1(OPN1SW):c.296T>C (p.Phe99Ser)

Gene: OPN1SW (opsin 1, short wave sensitive; minus strand). Cytogenetic location: 7q32.1.
Variant type: single nucleotide variant.
Coding change: c.296T>C on transcript NM_001385125.1 (MANE Select); coding-DNA position 296, T replaced by C.
Protein change: p.Phe99Ser; replaces phenylalanine 99 with serine.
Molecular consequence: missense variant.
Genome position (GRCh38, 1-based): chr7:128,775,486, A>G on the plus strand (T>C on the coding strand, the complement: OPN1SW is on the minus strand). VCF-style: chr7-128775486-A-G. GRCh37 (hg19) VCF-style: chr7-128415540-A-G.
Other names: short protein forms F99S.
Identifiers: ClinVar variation 1442135 (VCV001442135.8), dbSNP rs1413659295, ClinGen allele CA369221478.
Genomic context (GRCh38, chr7:128,775,486, plus strand): 5'-TCCCCTGCAGTACCTGCTACAGTGCCCAGGAAGCCCTCCAAAGCACAAACATGGCGACCG[A>G]AGACGAAGTATCCGTTACAGCTGGCGACGAAGACAGGGAAGACAGAGAAGATGCAGAGGA-3'
Protein context (NP_001372054.1, residues 89-109): FVASCNGYFV[Phe99Ser]GRHVCALEGF

ClinVar aggregate classification (germline): Uncertain significance (1 of 4 stars; one submission).

Submission:

Labcorp Genetics (formerly Invitae), Labcorp
Classification: Uncertain significance. Last evaluated: 2022-07-11. Review status: criteria provided, single submitter. Criteria: Invitae Variant Classification Sherloc (09022015). Collection method: clinical testing. Allele origin: germline.
Comment: This sequence change replaces phenylalanine, which is neutral and non-polar, with serine, which is neutral and polar, at codon 102 of the OPN1SW protein (p.Phe102Ser). In summary, the available evidence is currently insufficient to determine the role of this variant in disease. Therefore, it has been classified as a Variant of Uncertain Significance. Algorithms developed to predict the effect of missense changes on protein structure and function (SIFT, PolyPhen-2, Align-GVGD) all suggest that this variant is likely to be disruptive. ClinVar contains an entry for this variant (Variation ID: 1442135). This variant has not been reported in the literature in individuals affected with OPN1SW-related conditions. This variant is not present in population databases (gnomAD no frequency).